The following continues an entry in ClinVar:

NM_007194.4(CHEK2):c.707T>C (p.Leu236Pro)

Gene: CHEK2. ClinVar aggregate classification (germline): Likely pathogenic. Likely pathogenic (22).

Submissions 15 to 24 of 24:

Genetic Services Laboratory, University of Chicago
Classification: Likely pathogenic. Last evaluated: 2024-07-18. Review status: criteria provided, single submitter. Criteria: ACMG Guidelines, 2015. Collection method: clinical testing. Allele origin: germline. Affected: yes.
Comment: DNA sequence analysis of the CHEK2 gene demonstrated a sequence change, c.707T>C, in exon 6 that results in an amino acid change, p.Leu236Pro. The p.Leu236Pro change affects a moderately conserved amino acid residue located in a domain of the CHEK2 protein that is known to be functional. The p.Leu236Pro substitution appears to be possibly damaging using several in-silico pathogenicity prediction tools (SIFT, PolyPhen2, REVEL). This amino acid change has been described in the literature in several individuals with breast cancer and is a possible founder mutation in the Hispanic subpopulation (PMID: 31206626). Functional studies indicate that this sequence change impairs CHEK2 function (PMID: 30851065, 37449874). This sequence change has been described in the gnomAD database with a frequency of 0.25% in the Admixed American subpopulation and 0.03% in the overall population (dbSNP rs587782471). The p.Leu236Pro amino acid change occurs in a region of the CHEK2 gene where other missense sequence changes have been described in individuals with CHEK2-related cancers. These collective evidences indicate that this sequence change is likely pathogenic.

Fulgent Genetics
Classification: Likely pathogenic for Familial prostate cancer; Bone osteosarcoma; CHEK2-related cancer predisposition. Last evaluated: 2024-05-07. Review status: criteria provided, single submitter. Criteria: ACMG Guidelines, 2015. Collection method: clinical testing. Allele origin: germline.

Baylor Genetics
Classification: Likely pathogenic for Familial cancer of breast. Last evaluated: 2024-03-29. Review status: criteria provided, single submitter. Criteria: ACMG Guidelines, 2015. Collection method: clinical testing. Allele origin: unknown.

Illumina Laboratory Services, Illumina
Classification: Likely pathogenic for CHEK2-related cancer predisposition. Last evaluated: 2023-06-12. Review status: criteria provided, single submitter. Criteria: ICSLVariantClassificationCriteria RUGD 01 April 2020. Collection method: clinical testing. Allele origin: unknown.
Comment: The CHEK2 c.707T>C (p.Leu236Pro) missense variant has been reported in several individuals with or at elevated risk for primarily breast cancer (PMID: 2531835; 31206626, 32885271, 37145128; DOI:DOI 10.1016/j.clgc.2023.05.012). In a case-control study, p.Leu236Pro was associated with a significantly increased risk of breast cancer risk with an odds ratio of 3.2 (95% CI: 1.5-6.5; p=0.002). It was also reported to have a significant association with estrogen receptor positive tumors (p=0.024) (PMID: 31206626). The highest frequency of this allele in the Genome Aggregation Database is 0.002483 in the Latino/Admixed American population (version 2.1.1), which is higher than expected for a disease-causing variant in this gene. However, it may represent a founder variant in Latin or Indigenous American populations (PMID: 31206626). This variant is in the kinase domain and was shown to impair DNA damage response and growth rate in a yeast-based assay (PMID: 30851065). Based on the collective evidence, the c.707T>C (p.Leu236Pro) variant is classified as likely pathogenic for CHEK2-related cancer susceptibility.

Myriad Genetics, Inc.
Classification: Likely pathogenic for Familial cancer of breast. Last evaluated: 2023-03-08. Review status: criteria provided, single submitter. Criteria: Myriad Autosomal Dominant, Autosomal Recessive and X-Linked Classification Criteria (2023). Collection method: clinical testing. Allele origin: unknown.
Comment: This variant is considered likely pathogenic. This variant is strongly associated with more severe personal and family histories of cancer, typical for individuals with pathogenic variants in this gene [PMID: 25085752].

Sema4
Classification: Likely pathogenic for Hereditary cancer-predisposing syndrome. Last evaluated: 2022-03-04. Review status: criteria provided, single submitter. Criteria: Sema4 Curation Guidelines. Collection method: curation. Allele origin: germline.
Comment: The CHEK2 c.707T>C (p.L236P) variant has been reported in heterozygosity in at least 17 individuals of Latino ancestry with a personal or family history of breast cancer (PMID: 31206626, 25186627, 32598223). This variant was also reported in two individuals undergoing genetic testing for cancer (unspecified) (PMID: 27621404, 25318351). It has been reported in a large case-control study of breast cancer in 1/60466 cases and 0/53461 controls (PMID: 33471991). This variant was observed exclusively in the Latino/admixed American subpopulation of the Genome Aggregation Database in 88/35436 chromosomes (PMID: 32461654); and this variant is described as a founder variant in the Latino population in the literature (PMID: 31206626). A breast cancer study has reported odds ratios of 3.2-4.1 for breast cancer in the Hispanic population (OR = 3.2 [95% CI 1.5-6.5], p-value 0.0016; and OR = 4.1 [95% CI 1.5-22] , p-value 0.039; PMID: 31206626). This variant has been reported in ClinVar (Variation ID: 142448). In silico tools suggest the impact of the variant on protein function is deleterious and in vivo growth assays in yeast indicate non-functionality, supporting a deleterious effect (PMID 30851065). Therefore, taking all available lines of evidence into consideration, the variant is a likely risk allele and is classified as likely pathogenic with low penetrance for breast cancer in the Hispanic population.

Baylor Genetics
Classification: Likely pathogenic for Familial cancer of breast. Last evaluated: 2021-12-14. Review status: criteria provided, single submitter. Criteria: ACMG Guidelines, 2015. Collection method: clinical testing. Allele origin: unknown. Affected: yes. Study: CSER-TexasKidsCanSeq.
Comment: This variant was determined to be likely pathogenic according to ACMG Guidelines, 2015 [PMID:25741868]. This variant has been reported as disease-causing for hereditary beast cancer [PMID:31206626)

Genomic Diagnostics Laboratory, National Institute of Medical Genomics
Classification: Likely pathogenic for CHEK2-related cancer predisposition; Familial cancer of breast; Hereditary breast ovarian cancer syndrome. Last evaluated: 2019-07-17. Review status: criteria provided, single submitter. Criteria: ACMG Guidelines, 2015. Collection method: clinical testing. Allele origin: germline. Inheritance: Autosomal dominant inheritance. Affected: yes. Observed: 7 variant alleles, 6 heterozygotes, 1 homozygote. Clinical features observed: Breast carcinoma (HP:0003002).
Comment: The Leu236Pro variant in CHEK2 has been reported in individuals with early onset breast cancer (Yorczyk 2014, Tung 2015, Weitzel 2019). Additionally an in vivo functional study in transformed yeast cells indicates that the Leu236Pro variant are incapable of completing DNA replication and entering mitosis (Delimitsou 2019 -PMID:30851065). Also in our laboratory we have found 9 individuals of Mexican ancestry with breast, ovarian, thyroid and central nervous system tumors and high risk criteria. In summary, the variant meets ACMG criteria to be classified as likely pathogenic. (ACMG criteria: PS3, PM1, PP3, BS2)

Counsyl
Classification: Uncertain significance for Familial cancer of breast. Last evaluated: 2016-10-03. Review status: no assertion criteria provided. Collection method: clinical testing. Allele origin: unknown. Not counted in ClinVar's aggregate classification.

Division of Medical Genetics, University of Washington
Classification: Uncertain significance for Familial cancer of breast. Last evaluated: 2019-08-30. Review status: flagged submission. Criteria: ACMG Guidelines, 2015. Collection method: clinical testing. Allele origin: germline. Affected: yes. Study: CSER_CHARM. Not counted in ClinVar's aggregate classification.
Comment: The c.836T>C (p.Leu279Pro) variant has an allele frequency of 0.0003112 in the Broad Institute gnomAD Browser. In silico tools evaluating evolutionary conservation and impact on protein structure and function suggest that this variant may have a deleterious effect. In addition, a functional assay in yeast demonstrated decreased growth compared to wild type in yeast transfected with the p.Leu279Pro variant [PMID: 30851065]. At this time, it is unknown at this time whether or not this variant increases cancer risk; therefore, we interpret it as a variant of uncertain significance.
ClinVar note: Reason: Outlier claim with insufficient supporting evidence

Literature cited by the submitters: PubMed 25186627 (cited by 9 submitters); PubMed 25318351 (cited by 7 submitters); PubMed 31206626 (cited by 10 submitters); PubMed 37839337 (cited by Labcorp Genetics (formerly Invitae), Labcorp); PubMed 30851065 (cited by 9 submitters); PubMed 37449874 (cited by 6 submitters); PubMed 16794575 (cited by Color Diagnostics, LLC DBA Color Health); PubMed 19782031 (cited by Color Diagnostics, LLC DBA Color Health); PubMed 30262796 (cited by 4 submitters); PubMed 33471991 (cited by 5 submitters); PubMed 27621404 (cited by 3 submitters); PubMed 26580448 (cited by 3 submitters); PubMed 31398194 (cited by Women's Health and Genetics/Laboratory Corporation of America, LabCorp and Quest Diagnostics Nichols Institute San Juan Capistrano); PubMed 32598223 (cited by 3 submitters); PubMed 34404389 (cited by 3 submitters); PubMed 35467778 (cited by 4 submitters); PubMed 32975687 (cited by Women's Health and Genetics/Laboratory Corporation of America, LabCorp); PubMed 38093606 (cited by Women's Health and Genetics/Laboratory Corporation of America, LabCorp and Quest Diagnostics Nichols Institute San Juan Capistrano); PubMed 39778127 (cited by Women's Health and Genetics/Laboratory Corporation of America, LabCorp); PubMed 38091153 (cited by Women's Health and Genetics/Laboratory Corporation of America, LabCorp and Quest Diagnostics Nichols Institute San Juan Capistrano); PubMed 36833268 (cited by 3 submitters); PubMed 32885271 (cited by 3 submitters); PubMed 39146382 (cited by Mayo Clinic Laboratories, Mayo Clinic); PubMed 21963792 (cited by Ambry Genetics); PubMed 25085752 (cited by Myriad Genetics, Inc.).